The following is an entry in ClinVar:

ClinVar aggregate classification (germline): Uncertain significance (1 of 4 stars; one submission).

Conditions:
Fanconi anemia (FA). Also called: Fanconi's anemia. Identifiers: Orphanet 84, MedGen C0015625, MeSH D005199, MONDO:0019391.

Submission:

Labcorp Genetics (formerly Invitae), Labcorp
Classification: Uncertain significance for Fanconi anemia. Last evaluated: 2022-07-05. Review status: criteria provided, single submitter. Criteria: Invitae Variant Classification Sherloc (09022015). Collection method: clinical testing. Allele origin: germline.
Comment: In summary, the available evidence is currently insufficient to determine the role of this variant in disease. Therefore, it has been classified as a Variant of Uncertain Significance. Variants that disrupt the consensus splice site are a relatively common cause of aberrant splicing (PMID: 17576681, 9536098). Algorithms developed to predict the effect of sequence changes on RNA splicing suggest that this variant is not likely to affect RNA splicing. ClinVar contains an entry for this variant (Variation ID: 1503274). This variant has not been reported in the literature in individuals affected with FANCA-related conditions. This variant is not present in population databases (gnomAD no frequency). This sequence change falls in intron 10 of the FANCA gene. It does not directly change the encoded amino acid sequence of the FANCA protein. It affects a nucleotide within the consensus splice site.

Literature cited by the submitters: PubMed 17576681; PubMed 9536098.

NM_000135.4(FANCA):c.893+4T>G

Gene: FANCA (FA complementation group A; minus strand). Cytogenetic location: 16q24.3.
Variant type: single nucleotide variant.
Coding change: c.893+4T>G on transcript NM_000135.4 (MANE Select); 4 bases into the intron after coding-DNA position 893, T replaced by G.
Molecular consequence: intron variant.
Genome position (GRCh38, 1-based): chr16:89,799,162, A>C on the plus strand (T>G on the coding strand, the complement: FANCA is on the minus strand). VCF-style: chr16-89799162-A-C. GRCh37 (hg19) VCF-style: chr16-89865570-A-C.
Other names: c.893+4T>G (NM_001286167.3, NM_001018112.3); c.797+4T>G (NM_001351830.2).
Identifiers: ClinVar variation 1503274 (VCV001503274.5), dbSNP rs2143580838, ClinGen allele CA397472705.